The following is an entry in ClinVar:

ClinVar aggregate classification (germline): Uncertain significance (1 of 4 stars; one submission).

Conditions:
Renal dysplasia, cystic, susceptibility to. Identifiers: MedGen C3275898, MONDO:0011037, OMIM 601331.

gnomAD v4.1: 5 of 1,613,994 alleles (0.00031%); highest among the groups gnomAD compares: Non-Finnish European, 0.00042%; no homozygotes.

Submission:

Regional Center For Medical Genetics Timis, Louis Turcanu Emergency Hospital for Children Timisoara
Classification: Uncertain significance for Renal dysplasia, cystic, susceptibility to. Last evaluated: 2024-04-02. Review status: criteria provided, single submitter. Criteria: ACMG Guidelines, 2015. Collection method: research. Allele origin: germline. Affected: yes. Observed: 1 heterozygote.
Comment: The variant is present in the population databases with a low frequency (gnomAD v4.0.0 genomes and exomes). The nonsense variant is predicted to lead to protein truncation or premature transcript degradation via NMD. Loss of function variants in BICC1 gene are reported in literature to be associated with renal phenotype. However, the current level of evidence is limited (GenCC, HGNC: 19351). Therefore, the variant was classified with uncertain significance.

NM_001080512.3(BICC1):c.736C>T (p.Arg246Ter)

Gene: BICC1 (BicC family RNA binding protein 1; plus strand). Cytogenetic location: 10q21.1.
Variant type: single nucleotide variant.
Coding change: c.736C>T on transcript NM_001080512.3 (MANE Select); coding-DNA position 736, C replaced by T.
Protein change: p.Arg246Ter; replaces arginine 246 with a stop codon.
Molecular consequence: nonsense.
Genome position (GRCh38, 1-based): chr10:58,789,397, C>T. VCF-style: chr10-58789397-C-T. GRCh37 (hg19) VCF-style: chr10-60549157-C-T.
Other names: short protein forms R246*.
Identifiers: ClinVar variation 3235705 (VCV003235705.2), dbSNP rs2493771063, ClinGen allele CA376969158.